The following is an entry in ClinVar:

ClinVar aggregate classification (germline): Uncertain significance (1 of 4 stars; one submission).

Submission:

GeneDx
Classification: Uncertain significance. Last evaluated: 2021-04-29. Review status: criteria provided, single submitter. Criteria: GeneDx Variant Classification Process June 2021. Collection method: clinical testing. Allele origin: germline. Affected: yes.
Comment: Not observed in large population cohorts (gnomAD); In silico analysis supports that this missense variant has a deleterious effect on protein structure/function; Has not been previously published as pathogenic or benign to our knowledge

NM_007327.4(GRIN1):c.794G>A (p.Gly265Asp)

Gene: GRIN1 (glutamate ionotropic receptor NMDA type subunit 1; plus strand). Cytogenetic location: 9q34.3.
Variant type: single nucleotide variant.
Coding change: c.794G>A on transcript NM_007327.4 (MANE Select); coding-DNA position 794, G replaced by A.
Protein change: p.Gly265Asp; replaces glycine 265 with aspartic acid.
Molecular consequence: missense variant.
Genome position (GRCh38, 1-based): chr9:137,156,863, G>A. VCF-style: chr9-137156863-G-A. GRCh37 (hg19) VCF-style: chr9-140051315-G-A.
Other names: c.794G>A, p.Gly265Asp (NM_000832.7, NM_021569.4); c.857G>A, p.Gly286Asp (NM_001185090.2, NM_001185091.2); short protein forms G265D, G286D.
Identifiers: ClinVar variation 1700792 (VCV001700792.2), dbSNP rs2131272421, ClinGen allele CA375714887.